The following is an entry in ClinVar:

NM_016464.5(TMEM138):c.481C>T (p.Arg161Ter)

Gene: TMEM138 (transmembrane protein 138; plus strand). Cytogenetic location: 11q12.2.
Variant type: single nucleotide variant.
Coding change: c.481C>T on transcript NM_016464.5 (MANE Select); coding-DNA position 481, C replaced by T.
Protein change: p.Arg161Ter; replaces arginine 161 with a stop codon.
Molecular consequence: nonsense. On other transcripts: non-coding transcript variant (1).
Genome position (GRCh38, 1-based): chr11:61,368,701, C>T. VCF-style: chr11-61368701-C-T. GRCh37 (hg19) VCF-style: chr11-61136173-C-T.
Other names: c.307C>T, p.Arg103Ter (NM_001330281.2); short protein forms R103*, R161*.
Identifiers: ClinVar variation 2039576 (VCV002039576.4), dbSNP rs1000923142, ClinGen allele CA222874706.

ClinVar aggregate classification (germline): Uncertain significance (1 of 4 stars; one submission).

Conditions:
Joubert syndrome 16 (JBTS16). Identifiers: Orphanet 2318, MedGen C3280906, MONDO:0013764, OMIM 614465.

Allele frequency attached by ClinVar (database versions not stated): gnomAD 0.00001; TOPMed 0.00002.
gnomAD v4.1: 19 of 1,612,466 alleles (0.0012%); highest among the groups gnomAD compares: Non-Finnish European, 0.0014%; no homozygotes.

Submission:

Labcorp Genetics (formerly Invitae), Labcorp
Classification: Uncertain significance for Joubert syndrome 16. Last evaluated: 2025-06-12. Review status: criteria provided, single submitter. Criteria: Invitae Variant Classification Sherloc (09022015). Collection method: clinical testing. Allele origin: germline.
Comment: This sequence change creates a premature translational stop signal (p.Arg161*) in the TMEM138 gene. While this is not anticipated to result in nonsense mediated decay, it is expected to disrupt the last 2 amino acid(s) of the TMEM138 protein. This variant is present in population databases (no rsID available, gnomAD 0.003%). This variant has not been reported in the literature in individuals affected with TMEM138-related conditions. ClinVar contains an entry for this variant (Variation ID: 2039576). Experimental studies and prediction algorithms are not available or were not evaluated, and the functional significance of this variant is currently unknown. In summary, the available evidence is currently insufficient to determine the role of this variant in disease. Therefore, it has been classified as a Variant of Uncertain Significance.